The following is an entry in ClinVar:

NM_014317.5(PDSS1):c.1157A>G (p.Glu386Gly)

Gene: PDSS1 (decaprenyl diphosphate synthase subunit 1; plus strand). Cytogenetic location: 10p12.1.
Variant type: single nucleotide variant.
Coding change: c.1157A>G on transcript NM_014317.5 (MANE Select); coding-DNA position 1157, A replaced by G.
Protein change: p.Glu386Gly; replaces glutamic acid 386 with glycine.
Molecular consequence: missense variant. On other transcripts: 3 prime UTR variant (1).
Genome position (GRCh38, 1-based): chr10:26,746,382, A>G. VCF-style: chr10-26746382-A-G. GRCh37 (hg19) VCF-style: chr10-27035311-A-G.
Other names: c.*45A>G (NM_001321978.2); c.647A>G, p.Glu216Gly (NM_001321979.2); short protein forms E216G, E386G.
Identifiers: ClinVar variation 1624909 (VCV001624909.17), dbSNP rs115687408, ClinGen allele CA5447162.

ClinVar aggregate classification (germline): Conflicting classifications of pathogenicity. Review status: criteria provided, conflicting classifications (1 of 4 stars). 3 submissions from 3 submitters: Uncertain significance (2); Likely benign (1). Last evaluated 2026-01-25.

Conditions:
Deafness-encephaloneuropathy-obesity-valvulopathy syndrome. Identifiers: Orphanet 254898, MedGen C3553354, MONDO:0013837, OMIM 614651.

Allele frequency attached by ClinVar (database versions not stated): gnomAD exomes 0.00004 and 0.00018; gnomAD 0.00005 and 0.00007; TOPMed 0.00019; ExAC 0.00020; 1000 Genomes Project 30x 0.00047; 1000 Genomes Project 0.00060.
gnomAD v4.1: 68 of 1,614,092 alleles (0.0042%); highest among the groups gnomAD compares: East Asian, 0.14%; no homozygotes.

Submissions (3):

Labcorp Genetics (formerly Invitae), Labcorp
Classification: Likely benign. Last evaluated: 2026-01-25. Review status: criteria provided, single submitter. Criteria: Invitae Variant Classification Sherloc (09022015). Collection method: clinical testing. Allele origin: germline.

CeGaT Center for Human Genetics Tuebingen
Classification: Uncertain significance. Last evaluated: 2025-07-01. Review status: criteria provided, single submitter. Criteria: CeGaT Center For Human Genetics Tuebingen Variant Classification Criteria Version 2. Collection method: clinical testing. Allele origin: germline. Affected: yes. Observed: 1 variant allele.
Comment: PDSS1: PM2, BP4

Fulgent Genetics
Classification: Uncertain significance for Deafness-encephaloneuropathy-obesity-valvulopathy syndrome. Last evaluated: 2024-05-10. Review status: criteria provided, single submitter. Criteria: ACMG Guidelines, 2015. Collection method: clinical testing. Allele origin: germline.